The following is an entry in ClinVar:

ClinVar aggregate classification (germline): Uncertain significance. Review status: criteria provided, multiple submitters, no conflicts (2 of 4 stars). 2 submissions from 2 submitters: Uncertain significance (2). Last evaluated 2025-12-19.

Conditions:
Cardiovascular phenotype. Identifiers: MedGen CN230736.
Arrhythmogenic right ventricular dysplasia 9 (ARVD9). Also called: Arrhythmogenic Right Ventricular Dysplasia/Cardiomyopathy 9; ARRHYTHMOGENIC RIGHT VENTRICULAR DYSPLASIA, FAMILIAL, 9. Identifiers: MedGen C1836906, MONDO:0012180, OMIM 609040.

Allele frequency attached by ClinVar (database versions not stated): gnomAD 0.00001; gnomAD exomes 0.00001; TOPMed 0.00001.

Submissions (2):

Ambry Genetics
Classification: Uncertain significance for Cardiovascular phenotype. Last evaluated: 2025-12-19. Review status: criteria provided, single submitter. Criteria: Ambry Variant Classification Scheme 2023. Collection method: clinical testing. Allele origin: germline.
Comment: The p.H296P variant (also known as c.887A>C), located in coding exon 3 of the PKP2 gene, results from an A to C substitution at nucleotide position 887. The histidine at codon 296 is replaced by proline, an amino acid with similar properties. This amino acid position is conserved. In addition, this alteration is predicted to be tolerated by in silico analysis. Since supporting evidence is limited at this time, the clinical significance of this alteration remains unclear.

Labcorp Genetics (formerly Invitae), Labcorp
Classification: Uncertain significance for Arrhythmogenic right ventricular dysplasia 9. Last evaluated: 2023-04-11. Review status: criteria provided, single submitter. Criteria: Invitae Variant Classification Sherloc (09022015). Collection method: clinical testing. Allele origin: germline.
Comment: In summary, the available evidence is currently insufficient to determine the role of this variant in disease. Therefore, it has been classified as a Variant of Uncertain Significance. An algorithm developed to predict the effect of missense changes on protein structure and function (PolyPhen-2) suggests that this variant¬† is likely to be tolerated. ClinVar contains an entry for this variant (Variation ID: 1764953). This variant has not been reported in the literature in individuals affected with PKP2-related conditions. This variant is not present in population databases (gnomAD no frequency). This sequence change replaces histidine, which is basic and polar, with proline, which is neutral and non-polar, at codon 296 of the PKP2 protein (p.His296Pro).

NM_001005242.3(PKP2):c.887A>C (p.His296Pro)

Gene: PKP2 (plakophilin 2; minus strand). Cytogenetic location: 12p11.21.
Variant type: single nucleotide variant.
Coding change: c.887A>C on transcript NM_001005242.3 (MANE Select); coding-DNA position 887, A replaced by C.
Protein change: p.His296Pro; replaces histidine 296 with proline.
Molecular consequence: missense variant.
Genome position (GRCh38, 1-based): chr12:32,877,993, T>G on the plus strand (A>C on the coding strand, the complement: PKP2 is on the minus strand). VCF-style: chr12-32877993-T-G. GRCh37 (hg19) VCF-style: chr12-33030927-T-G.
Other names: c.887A>C, p.His296Pro (NM_001407155.1, NM_001407156.1, NM_001407157.1 and 2 more transcripts); c.560A>C, p.His187Pro (NM_001407158.1, NM_001407159.1, NM_001407160.1 and 1 more transcripts); short protein forms H296P, H187P.
Identifiers: ClinVar variation 1764953 (VCV001764953.6), dbSNP rs879009994, ClinGen allele CA235266042.